The following is an entry in ClinVar:

NM_001084.5(PLOD3):c.1006-3del

Gene: PLOD3 (procollagen-lysine,2-oxoglutarate 5-dioxygenase 3; minus strand). Cytogenetic location: 7q22.1.
Variant type: Deletion.
Coding change: c.1006-3del on transcript NM_001084.5 (MANE Select); 3 bases into the intron before coding-DNA position 1006, one base deleted (C; older notation c.1006-3delC).
Molecular consequence: intron variant.
Genome position (GRCh38, 1-based): chr7:101,212,377, G deleted on the plus strand (C on the coding strand, the reverse complement: PLOD3 is on the minus strand); the first of 3 consecutive G bases (chr7:101,212,377-101,212,379); deleting any one gives the same sequence. VCF-style (leftmost placement, unchanged base first): chr7-101212376-TG-T. GRCh37 (hg19) VCF-style: chr7-100855657-TG-T.
Identifiers: ClinVar variation 1607248 (VCV001607248.9), dbSNP rs1357493245, ClinGen allele CA576718738.

ClinVar aggregate classification (germline): Conflicting classifications of pathogenicity. Review status: criteria provided, conflicting classifications (1 of 4 stars). 2 submissions from 2 submitters: Uncertain significance (1); Likely benign (1). Last evaluated 2026-08-06.

Conditions:
Bone fragility with contractures, arterial rupture, and deafness. Also called: LH3 DEFICIENCY; LYSYL HYDROXYLASE 3 DEFICIENCY; BCARD SYNDROME; BONE ABNORMALITIES, CATARACT, ARTERIAL RUPTURE, AND DEAFNESS. Identifiers: Orphanet 300284, MedGen C2676285, MONDO:0012892, OMIM 612394.

Submissions (2):

OLLIN Analises Genomicas, OLLIN
Classification: Uncertain significance for Bone fragility with contractures, arterial rupture, and deafness. Last evaluated: 2026-08-06. Review status: criteria provided, single submitter. Criteria: ACMG Guidelines 2015 PMID 25741868. Collection method: clinical testing. Allele origin: germline.
Comment: This variant, has been reported in ClinVar (accession VCV001607248.8) and in gnomAD with an allele frequency of 0.0027%. However, to our knowledge, it has not been reported in the scientific literature. According to the currently available evidence, this variant has been classified as uncertain significance (PM2_P, BP4).

Labcorp Genetics (formerly Invitae), Labcorp
Classification: Likely benign. Last evaluated: 2021-02-22. Review status: criteria provided, single submitter. Criteria: Invitae Variant Classification Sherloc (09022015). Collection method: clinical testing. Allele origin: germline.